The following is an entry in ClinVar:

ClinVar aggregate classification (germline): Uncertain significance. Review status: criteria provided, multiple submitters, no conflicts (2 of 4 stars). 2 submissions from 2 submitters: Uncertain significance (2). Last evaluated 2026-03-25.

Conditions:
Spastic paraplegia. Identifiers: MedGen C0037772, HP:0001258.

Allele frequency attached by ClinVar (database versions not stated): gnomAD exomes below 0.00001; gnomAD 0.00001; TOPMed 0.00002.
gnomAD v4.1: 6 of 1,614,056 alleles (0.00037%); highest among the groups gnomAD compares: African/African-American, 0.004%; no homozygotes.

Submissions (2):

Women's Health and Genetics/Laboratory Corporation of America, LabCorp
Classification: Uncertain significance. Last evaluated: 2026-03-25. Review status: criteria provided, single submitter. Criteria: LabCorp Variant Classification Summary - May 2015. Collection method: clinical testing. Allele origin: germline.
Comment: Variant summary: VAMP1 c.55G>C (p.Gly19Arg) results in a non-conservative amino acid change in the encoded protein sequence. Algorithms developed to predict the effect of missense changes on protein structure and function are either unavailable or do not agree on the potential impact of this missense change. The variant was absent in 251456 control chromosomes. The available data on variant occurrences in the general population are insufficient to allow any conclusion about variant significance. To our knowledge, no occurrence of c.55G>C in individuals affected with VAMP1-related conditions and no experimental evidence demonstrating its impact on protein function have been reported. ClinVar contains an entry for this variant (Variation ID: 2419667). Based on the evidence outlined above, the variant was classified as uncertain significance.

Labcorp Genetics (formerly Invitae), Labcorp
Classification: Uncertain significance for Spastic paraplegia. Last evaluated: 2025-07-20. Review status: criteria provided, single submitter. Criteria: Invitae Variant Classification Sherloc (09022015). Collection method: clinical testing. Allele origin: germline.
Comment: This sequence change replaces glycine, which is neutral and non-polar, with arginine, which is basic and polar, at codon 19 of the VAMP1 protein (p.Gly19Arg). This variant is not present in population databases (gnomAD no frequency). This variant has not been reported in the literature in individuals affected with VAMP1-related conditions. ClinVar contains an entry for this variant (Variation ID: 2419667). An algorithm developed to predict the effect of missense changes on protein structure and function (PolyPhen-2) suggests that this variant is likely to be tolerated. In summary, the available evidence is currently insufficient to determine the role of this variant in disease. Therefore, it has been classified as a Variant of Uncertain Significance.

NM_014231.5(VAMP1):c.55G>C (p.Gly19Arg)

Genes: TAPBPL (TAP binding protein like; plus strand), VAMP1 (vesicle associated membrane protein 1; minus strand). Cytogenetic location: 12p13.31.
Variant type: single nucleotide variant.
Coding change: c.55G>C on transcript NM_014231.5 (MANE Select); coding-DNA position 55, G replaced by C.
Protein change: p.Gly19Arg; replaces glycine 19 with arginine.
Molecular consequence: missense variant.
Genome position (GRCh38, 1-based): chr12:6,466,299, C>G on the plus strand (G>C on the coding strand, the complement: VAMP1 is on the minus strand). VCF-style: chr12-6466299-C-G. GRCh37 (hg19) VCF-style: chr12-6575465-C-G.
Other names: c.55G>C, p.Gly19Arg (NM_001297438.2, NM_016830.4, NM_199245.3); short protein forms G19R.
Identifiers: ClinVar variation 2419667 (VCV002419667.7), dbSNP rs1056389825, ClinGen allele CA232343760.
Genomic context (GRCh38, chr12:6,466,299, plus strand): 5'-CCTGGGTTTGCTGTAGTCGTCTGTTACTGGTCATGTTAGGAGGAGGGCCAGGGGGACCCC[C>G]ACCTGGGGCAGTCCCTTCTGTCCCTTCAGCAGGTGGCTGAGCTGGAGCAGACCTGTGGAA-3'
Protein context (NP_055046.1, residues 9-29): AEGTEGTAPG[Gly19Arg]GPPGPPPNMT